The following is an entry in ClinVar:

NM_138713.4(NFAT5):c.3824A>G (p.Gln1275Arg)

Gene: NFAT5 (nuclear factor of activated T cells 5; plus strand). Cytogenetic location: 16q22.1.
Variant type: single nucleotide variant.
Coding change: c.3824A>G on transcript NM_138713.4 (MANE Select); coding-DNA position 3824, A replaced by G.
Protein change: p.Gln1275Arg; replaces glutamine 1275 with arginine.
Molecular consequence: missense variant.
Genome position (GRCh38, 1-based): chr16:69,693,649, A>G. VCF-style: chr16-69693649-A-G. GRCh37 (hg19) VCF-style: chr16-69727552-A-G.
Other names: c.3821A>G, p.Gln1274Arg (NM_001113178.3); c.3149A>G, p.Gln1050Arg (NM_001367709.1); c.3770A>G, p.Gln1257Arg (NM_006599.4); c.3542A>G, p.Gln1181Arg (NM_138714.4, NM_173214.3, NM_173215.3); short protein forms Q1275R, Q1050R, Q1181R, Q1274R, Q1257R.
Identifiers: ClinVar variation 2189070 (VCV002189070.4), dbSNP rs1471007475, ClinGen allele CA396513889.
Genomic context (GRCh38, chr16:69,693,649, plus strand): 5'-CAATAGTTGCCATGCAGAGTAACTCTCCATCCCAGGAACAGCAGCAGCAGCAGCAACAGC[A>G]GCAGCAACAGCAGCAGCAACAACAACAGAGCATTTTATTCAGTAATCAGAATACCATGGC-3'
Protein context (NP_619727.2, residues 1265-1285): SQEQQQQQQQ[Gln1275Arg]QQQQQQQQQS

ClinVar aggregate classification (germline): Uncertain significance (1 of 4 stars; one submission).

Conditions:
Immunodeficiency. Identifiers: MedGen C0021051, MONDO:0021094, HP:0002721.

Allele frequency attached by ClinVar (database versions not stated): gnomAD exomes below 0.00001; TOPMed below 0.00001; gnomAD 0.00001.
gnomAD v4.1: 2 of 1,614,056 alleles (0.00012%); highest among the groups gnomAD compares: Non-Finnish European, 0.00017%; no homozygotes.

Submission:

Labcorp Genetics (formerly Invitae), Labcorp
Classification: Uncertain significance for Immunodeficiency. Last evaluated: 2022-03-26. Review status: criteria provided, single submitter. Criteria: Invitae Variant Classification Sherloc (09022015). Collection method: clinical testing. Allele origin: germline.
Comment: In summary, the available evidence is currently insufficient to determine the role of this variant in disease. Therefore, it has been classified as a Variant of Uncertain Significance. Algorithms developed to predict the effect of missense changes on protein structure and function are either unavailable or do not agree on the potential impact of this missense change (SIFT: "Deleterious"; PolyPhen-2: "Possibly Damaging"; Align-GVGD: "Class C0"). This variant has not been reported in the literature in individuals affected with NFAT5-related conditions. This variant is not present in population databases (gnomAD no frequency). This sequence change replaces glutamine, which is neutral and polar, with arginine, which is basic and polar, at codon 1181 of the NFAT5 protein (p.Gln1181Arg).